The following is an entry in ClinVar:

NM_002206.3(ITGA7):c.2534C>T (p.Thr845Met)

Genes: ITGA7 (integrin subunit alpha 7; minus strand), LOC126861535 (CDK7 strongly-dependent group 2 enhancer GRCh37_chr12:56087579-56088778; plus strand). Cytogenetic location: 12q13.2.
Variant type: single nucleotide variant.
Coding change: c.2534C>T on transcript NM_002206.3 (MANE Select); coding-DNA position 2534, C replaced by T.
Protein change: p.Thr845Met; replaces threonine 845 with methionine.
Molecular consequence: missense variant.
Genome position (GRCh38, 1-based): chr12:55,694,022, G>A on the plus strand (C>T on the coding strand, the complement: ITGA7 is on the minus strand). VCF-style: chr12-55694022-G-A. GRCh37 (hg19) VCF-style: chr12-56087806-G-A.
Other names: c.2546C>T, p.Thr849Met (NM_001144996.2); c.2255C>T, p.Thr752Met (NM_001144997.2); c.2207C>T, p.Thr736Met (NM_001367993.1); c.1190C>T, p.Thr397Met (NM_001367994.1); c.2516C>T, p.Thr839Met (NM_001374465.1); c.2666C>T, p.Thr889Met (NM_001410977.1); c.2528C>T, p.Thr843Met (NM_001414029.1); c.2459C>T, p.Thr820Met (NM_001414030.1); and 5 more; short protein forms T849M, T397M, T736M, T752M, T839M, T845M, T889M, T816M.
Identifiers: ClinVar variation 960181 (VCV000960181.7), dbSNP rs55654066, ClinGen allele CA6615573.

ClinVar aggregate classification (germline): Uncertain significance. Review status: criteria provided, multiple submitters, no conflicts (2 of 4 stars). 3 submissions from 3 submitters: Uncertain significance (3). Last evaluated 2022-09-05.

Conditions:
Congenital muscular dystrophy due to integrin alpha-7 deficiency. Also called: Congenital muscular dystrophy with integrin alpha-7 deficiency; Muscular dystrophy, congenital, due to ITGA7 deficiency; MYOPATHY, CONGENITAL, DUE TO INTEGRIN ALPHA-7 DEFICIENCY. Identifiers: Orphanet 34520, MedGen C2750786, MONDO:0013177, OMIM 613204.

Allele frequency attached by ClinVar (database versions not stated): ExAC 0.00001; gnomAD exomes 0.00005; gnomAD 0.00011 and 0.00012; TOPMed 0.00011.
gnomAD v4.1: 92 of 1,611,960 alleles (0.0057%); highest among the groups gnomAD compares: East Asian, 0.042%; no homozygotes.

Submissions (3):

Revvity Omics, Revvity
Classification: Uncertain significance for Congenital muscular dystrophy due to integrin alpha-7 deficiency. Last evaluated: 2022-09-05. Review status: criteria provided, single submitter. Criteria: ACMG Guidelines, 2015. Collection method: clinical testing. Allele origin: germline.

Labcorp Genetics (formerly Invitae), Labcorp
Classification: Uncertain significance for Congenital muscular dystrophy due to integrin alpha-7 deficiency. Last evaluated: 2022-03-29. Review status: criteria provided, single submitter. Criteria: Invitae Variant Classification Sherloc (09022015). Collection method: clinical testing. Allele origin: germline.
Comment: This sequence change replaces threonine, which is neutral and polar, with methionine, which is neutral and non-polar, at codon 845 of the ITGA7 protein (p.Thr845Met). This variant is present in population databases (rs55654066, gnomAD 0.03%). This variant has not been reported in the literature in individuals affected with ITGA7-related conditions. ClinVar contains an entry for this variant (Variation ID: 960181). Algorithms developed to predict the effect of missense changes on protein structure and function are either unavailable or do not agree on the potential impact of this missense change (SIFT: "Deleterious"; PolyPhen-2: "Possibly Damaging"; Align-GVGD: "Class C0"). In summary, the available evidence is currently insufficient to determine the role of this variant in disease. Therefore, it has been classified as a Variant of Uncertain Significance.

Athena Diagnostics
Classification: Uncertain significance. Last evaluated: 2021-07-30. Review status: criteria provided, single submitter. Criteria: Athena Diagnostics Criteria. Collection method: clinical testing. Allele origin: unknown.